The following is an entry in ClinVar:

NM_001271.4(CHD2):c.2718A>C (p.Gln906His)

Gene: CHD2 (chromodomain helicase DNA binding protein 2; plus strand). Cytogenetic location: 15q26.1.
Variant type: single nucleotide variant.
Coding change: c.2718A>C on transcript NM_001271.4 (MANE Select); coding-DNA position 2718, A replaced by C.
Protein change: p.Gln906His; replaces glutamine 906 with histidine.
Molecular consequence: missense variant.
Genome position (GRCh38, 1-based): chr15:92,978,374, A>C. VCF-style: chr15-92978374-A-C. GRCh37 (hg19) VCF-style: chr15-93521604-A-C.
Other names: short protein forms Q906H.
Identifiers: ClinVar variation 1707908 (VCV001707908.2), dbSNP rs11074121, ClinGen allele CA393893961.

ClinVar aggregate classification (germline): Likely pathogenic (1 of 4 stars; one submission).

Submission:

GeneDx
Classification: Likely pathogenic. Last evaluated: 2022-04-01. Review status: criteria provided, single submitter. Criteria: GeneDx Variant Classification Process June 2021. Collection method: clinical testing. Allele origin: germline. Affected: yes.
Comment: Not observed at significant frequency in large population cohorts (gnomAD); In silico analysis supports that this missense variant has a deleterious effect on protein structure/function; Has not been previously published as pathogenic or benign to our knowledge